The following is an entry in ClinVar:

ClinVar aggregate classification (germline): Uncertain significance (1 of 4 stars; one submission).

Conditions:
Fetal anomalies with a likely genetic cause.

gnomAD v4.1: 8 of 1,610,716 alleles (0.0005%); highest among the groups gnomAD compares: Non-Finnish European, 0.00068%; no homozygotes.

Submission:

Genetics Laboratory, Great Ormond Street Hospital NHS Foundation Trust, North Thames Genomic Laboratory Hub
Classification: Uncertain significance for Fetal anomalies with a likely genetic cause. Last evaluated: 2026-09-02. Review status: criteria provided, single submitter. Criteria: ACGS Best Practice Guidelines for Variant Classification in Rare Disease 2024 v1.2. Collection method: clinical testing. Allele origin: germline. Affected: yes.
Comment: PM2_moderate, PP3_supporting, PP2_supporting

NM_001178015.2(SLC4A10):c.1555G>A (p.Ala519Thr)

Gene: SLC4A10 (solute carrier family 4 member 10; plus strand). Cytogenetic location: 2q24.2.
Variant type: single nucleotide variant.
Coding change: c.1555G>A on transcript NM_001178015.2 (MANE Select); coding-DNA position 1555, G replaced by A.
Protein change: p.Ala519Thr; replaces alanine 519 with threonine.
Molecular consequence: missense variant.
Genome position (GRCh38, 1-based): chr2:161,904,116, G>A. VCF-style: chr2-161904116-G-A. GRCh37 (hg19) VCF-style: chr2-162760626-G-A.
Other names: c.1498G>A, p.Ala500Thr (NM_001178016.2, NM_001354445.2); c.1555G>A, p.Ala519Thr (NM_001354440.2); c.1588G>A, p.Ala530Thr (NM_001354441.2, NM_001354442.2); c.1501G>A, p.Ala501Thr (NM_001354443.2, NM_001354447.2); c.1552G>A, p.Ala518Thr (NM_001354444.2); c.1465G>A, p.Ala489Thr (NM_001354446.2, NM_001354450.2, NM_022058.4); c.1495G>A, p.Ala499Thr (NM_001354448.2); c.1462G>A, p.Ala488Thr (NM_001354449.2, NM_001354451.2); and 3 more; short protein forms A296T, A440T, A488T, A489T, A499T, A500T, A501T, A518T.
Identifiers: ClinVar variation 5038268 (VCV005038268.1).